The following is an entry in ClinVar:

NM_004984.4(KIF5A):c.2483AGA[1] (p.Lys829del)

Gene: KIF5A (kinesin family member 5A; plus strand). Cytogenetic location: 12q13.3.
Variant type: Microsatellite.
Coding change: c.2483AGA[1] on transcript NM_004984.4 (MANE Select); one copy of the 3-base unit AGA starting at c.2483; the reference has two copies in a row; one copy, 3 bases deleted.
Protein change: p.Lys829del; deletes lysine 829.
Molecular consequence: inframe deletion.
Genome position (GRCh38, 1-based): chr12:57,578,290-57,578,292, AGA deleted; deleting any 3 consecutive bases within chr12:57,578,287-57,578,292 gives the same sequence; the position shown is the placement nearest the transcript's 3' end. VCF-style (leftmost placement, unchanged base first): chr12-57578286-CAGA-C. GRCh37 (hg19) VCF-style: chr12-57972069-CAGA-C.
Other names: c.2216AGA[1], p.Lys740del (NM_001354705.2); short protein forms K829del, K740del.
Identifiers: ClinVar variation 2189141 (VCV002189141.4), dbSNP rs1157838640, ClinGen allele CA605314798.

ClinVar aggregate classification (germline): Uncertain significance (1 of 4 stars; one submission).

Conditions:
Spastic paraplegia. Identifiers: MedGen C0037772, HP:0001258.

Submission:

Labcorp Genetics (formerly Invitae), Labcorp
Classification: Uncertain significance for Spastic paraplegia. Last evaluated: 2024-09-12. Review status: criteria provided, single submitter. Criteria: Invitae Variant Classification Sherloc (09022015). Collection method: clinical testing. Allele origin: germline.
Comment: This variant, c.2486_2488del, results in the deletion of 1 amino acid(s) of the KIF5A protein (p.Lys829del), but otherwise preserves the integrity of the reading frame. This variant is present in population databases (no rsID available, gnomAD 0.007%). This variant has not been reported in the literature in individuals affected with KIF5A-related conditions. Experimental studies and prediction algorithms are not available or were not evaluated, and the functional significance of this variant is currently unknown. In summary, the available evidence is currently insufficient to determine the role of this variant in disease. Therefore, it has been classified as a Variant of Uncertain Significance.